The following is an entry in ClinVar:

ClinVar aggregate classification (germline): Uncertain significance (1 of 4 stars; one submission).

Conditions:
Renal cell carcinoma. Identifiers: Orphanet 217071, MedGen C0007134, MeSH D002292, MONDO:0005086, HP:0005584.

Submission:

Labcorp Genetics (formerly Invitae), Labcorp
Classification: Uncertain significance for Renal cell carcinoma. Last evaluated: 2023-05-01. Review status: criteria provided, single submitter. Criteria: Invitae Variant Classification Sherloc (09022015). Collection method: clinical testing. Allele origin: germline.
Comment: In summary, the available evidence is currently insufficient to determine the role of this variant in disease. Therefore, it has been classified as a Variant of Uncertain Significance. Variants that disrupt the consensus splice site are a relatively common cause of aberrant splicing (PMID: 17576681, 9536098). Algorithms developed to predict the effect of sequence changes on RNA splicing suggest that this variant is not likely to affect RNA splicing. This variant has not been reported in the literature in individuals affected with MET-related conditions. This variant is not present in population databases (gnomAD no frequency). This sequence change falls in intron 2 of the MET gene. It does not directly change the encoded amino acid sequence of the MET protein. It affects a nucleotide within the consensus splice site.

Literature cited by the submitters: PubMed 17576681; PubMed 9536098.

NM_000245.4(MET):c.1200+3A>G

Gene: MET (MET proto-oncogene, receptor tyrosine kinase; plus strand). Cytogenetic location: 7q31.2.
Variant type: single nucleotide variant.
Coding change: c.1200+3A>G on transcript NM_000245.4 (MANE Select); 3 bases into the intron after coding-DNA position 1200, A replaced by G.
Molecular consequence: intron variant.
Genome position (GRCh38, 1-based): chr7:116,700,287, A>G. VCF-style: chr7-116700287-A-G. GRCh37 (hg19) VCF-style: chr7-116340341-A-G.
Other names: c.1200+3A>G (NM_001127500.3, NM_001324401.3); c.-91+27710A>G (NM_001324402.2).
Identifiers: ClinVar variation 2802990 (VCV002802990.3), dbSNP rs2485517418, ClinGen allele CA2739279290.